The following is an entry in ClinVar:

GRCh38/hg38 17p12(chr17:14208455-15538752)x3

Genes: CDRT15 (CMT1A duplicated region transcript 15; minus strand), CDRT3 (CMT1A duplicated region transcript 3; minus strand), CDRT4 (CMT1A duplicated region transcript 4; minus strand), CDRT7 (CMT1A duplicated region transcript 7; plus strand), CDRT8 (CMT1A duplicated region transcript 8; minus strand) and 20 more. Cytogenetic location: 17p12.
Variant type: copy number gain.
Change: copy number 3 (three copies instead of two) of chr17:14,208,455-15,538,752 (1.33 Mb, GRCh38 coordinates, 1-based), cytogenetic band 17p12.
Identifiers: ClinVar variation 160871 (VCV000160871.1).

ClinVar aggregate classification (germline): Pathogenic (1 of 4 stars; one submission).

Submission:

ISCA site 4
Classification: Pathogenic. Last evaluated: 2011-08-12. Review status: criteria provided, single submitter. Criteria: Kaminsky et al. (Genet Med. 2011). Collection method: clinical testing. Allele origin: unknown. Affected: yes. Observed: 2 variant alleles.
Comment: Copy number variation identified through the course of routine clinical cytogenomic testing in postnatal populations. Clinical assertions have been curated as described in Kaminsky et al. 2011.